The following is an entry in ClinVar:

NM_014112.5(TRPS1):c.250A>C (p.Ser84Arg)

Gene: TRPS1 (transcriptional repressor GATA binding 1; minus strand). Cytogenetic location: 8q23.3.
Variant type: single nucleotide variant.
Coding change: c.250A>C on transcript NM_014112.5 (MANE Select); coding-DNA position 250, A replaced by C.
Protein change: p.Ser84Arg; replaces serine 84 with arginine.
Molecular consequence: missense variant.
Genome position (GRCh38, 1-based): chr8:115,619,848, T>G on the plus strand (A>C on the coding strand, the complement: TRPS1 is on the minus strand). VCF-style: chr8-115619848-T-G. GRCh37 (hg19) VCF-style: chr8-116632075-T-G.
Other names: c.223A>C, p.Ser75Arg (NM_001282902.3); c.229A>C, p.Ser77Arg (NM_001282903.3); c.211A>C, p.Ser71Arg (NM_001330599.2); short protein forms S84R, S71R, S75R, S77R.
Identifiers: ClinVar variation 4788584 (VCV004788584.1).

ClinVar aggregate classification (germline): Uncertain significance (1 of 4 stars; one submission).

Conditions:
Trichorhinophalangeal dysplasia type I (TRPS1). Also called: TRICHORHINOPHALANGEAL SYNDROME, TYPE I; TRPS I. Identifiers: Orphanet 77258, MedGen C0432233, MONDO:0008596, OMIM 190350.
Trichorhinophalangeal syndrome, type III (TRPS3). Also called: SUGIO-KAJII SYNDROME. Identifiers: Orphanet 77258, MedGen C1860823, OMIM 190351, MONDO:0008597.

gnomAD v4.1: 2 of 1,614,112 alleles (0.00012%); no homozygotes.

Submission:

Labcorp Genetics (formerly Invitae), Labcorp
Classification: Uncertain significance for Trichorhinophalangeal syndrome, type III; Trichorhinophalangeal dysplasia type I. Last evaluated: 2025-03-19. Review status: criteria provided, single submitter. Criteria: Invitae Variant Classification Sherloc (09022015). Collection method: clinical testing. Allele origin: germline.
Comment: This sequence change replaces serine, which is neutral and polar, with arginine, which is basic and polar, at codon 84 of the TRPS1 protein (p.Ser84Arg). This variant is not present in population databases (gnomAD no frequency). This variant has not been reported in the literature in individuals affected with TRPS1-related conditions. Invitae Evidence Modeling of protein sequence and biophysical properties (such as structural, functional, and spatial information, amino acid conservation, physicochemical variation, residue mobility, and thermodynamic stability) indicates that this missense variant is not expected to disrupt TRPS1 protein function with a negative predictive value of 80%. In summary, the available evidence is currently insufficient to determine the role of this variant in disease. Therefore, it has been classified as a Variant of Uncertain Significance.